The following is an entry in ClinVar:

ClinVar aggregate classification (germline): Likely benign. Review status: criteria provided, multiple submitters, no conflicts (2 of 4 stars). 2 submissions from 2 submitters: Likely benign (2). Last evaluated 2018-01-13.

Conditions:
Saldino-Mainzer syndrome (SRTD9). Also called: SHORT-RIB THORACIC DYSPLASIA 9 WITHOUT POLYDACTYLY; Renal dysplasia, retinal pigmentary dystrophy, cerebellar ataxia and skeletal dysplasia; short-rib thoracic dysplasia 9 with or without polydactyly; CONORENAL SYNDROME. Identifiers: Orphanet 140969, MedGen C1849437, MONDO:0009964, OMIM 266920.

Allele frequency attached by ClinVar (database versions not stated): 1000 Genomes Project 30x 0.00515; 1000 Genomes Project 0.00539; TOPMed 0.00640; gnomAD 0.00691 and 0.00706; gnomAD exomes 0.00750.
gnomAD v4.1: 11,072 of 1,477,856 alleles (0.75%); highest among the groups gnomAD compares: Middle Eastern, 1.2%; 80 homozygotes.

Submissions (2):

Illumina Laboratory Services, Illumina
Classification: Likely benign for Saldino-Mainzer syndrome. Last evaluated: 2018-01-13. Review status: criteria provided, single submitter. Criteria: ICSL Variant Classification Criteria 13 December 2019. Collection method: clinical testing. Allele origin: germline.
Comment: This variant was observed in the ICSL laboratory as part of a predisposition screen in an ostensibly healthy population. It had not been previously curated by ICSL or reported in the Human Gene Mutation Database (HGMD: prior to June 1st, 2018), and was therefore a candidate for classification through an automated scoring system. Utilizing variant allele frequency, disease prevalence and penetrance estimates, and inheritance mode, an automated score was calculated to assess if this variant is too frequent to cause the disease. Based on the score and internal cut-off values, a variant classified as likely benign is not then subjected to further curation. The score for this variant resulted in a classification of likely benign for this disease.

Breakthrough Genomics
Classification: Likely benign. Review status: criteria provided, single submitter. Criteria: ACMG Guidelines, 2015. Collection method: not provided. Allele origin: germline. Inheritance: Autosomal recessive inheritance. Affected: yes.

NM_014714.4(IFT140):c.*63A>G

Gene: IFT140 (intraflagellar transport 140; minus strand). Cytogenetic location: 16p13.3.
Variant type: single nucleotide variant.
Coding change: c.*63A>G on transcript NM_014714.4 (MANE Select); 63 bases downstream of the stop codon, A replaced by G.
Molecular consequence: 3 prime UTR variant.
Genome position (GRCh38, 1-based): chr16:1,510,881, T>C on the plus strand (A>G on the coding strand, the complement: IFT140 is on the minus strand). VCF-style: chr16-1510881-T-C. GRCh37 (hg19) VCF-style: chr16-1560882-T-C.
Identifiers: ClinVar variation 885377 (VCV000885377.5), dbSNP rs149678731, ClinGen allele CA276668021.